The following is an entry in ClinVar:

ClinVar aggregate classification (germline): Uncertain significance (1 of 4 stars; one submission).

Submission:

GeneDx
Classification: Uncertain significance. Last evaluated: 2025-02-22. Review status: criteria provided, single submitter. Criteria: GeneDx Variant Classification Process June 2021. Collection method: clinical testing. Allele origin: germline. Affected: yes.
Comment: In silico analysis supports that this missense variant has a deleterious effect on protein structure/function; Has not been previously published as pathogenic or benign to our knowledge; Does not affect a cysteine or calcium-binding residue within an EGF-like domain or a TGF-binding protein domain of the FBN1 gene; cysteine substitutions in the EGF-like domains represent the majority of pathogenic missense changes associated with FBN1-related disorders (PMID: 12938084); Not observed at significant frequency in large population cohorts (gnomAD); This variant is associated with the following publications: (PMID: 12938084)

NM_000138.5(FBN1):c.4251T>G (p.Asn1417Lys)

Genes: FBN1 (fibrillin 1; minus strand), LOC126862124 (CDK7 strongly-dependent group 2 enhancer GRCh37_chr15:48764566-48765765; plus strand). Cytogenetic location: 15q21.1.
Variant type: single nucleotide variant.
Coding change: c.4251T>G on transcript NM_000138.5 (MANE Select); coding-DNA position 4251, T replaced by G.
Protein change: p.Asn1417Lys; replaces asparagine 1417 with lysine.
Molecular consequence: missense variant.
Genome position (GRCh38, 1-based): chr15:48,472,636, A>C on the plus strand (T>G on the coding strand, the complement: FBN1 is on the minus strand). VCF-style: chr15-48472636-A-C. GRCh37 (hg19) VCF-style: chr15-48764833-A-C.
Other names: c.4251T>G, p.Asn1417Lys (NM_001406716.1); short protein forms N1417K.
Identifiers: ClinVar variation 4076605 (VCV004076605.1).
Genomic context (GRCh38, chr15:48,472,636, plus strand): 5'-GGGCACGAAGCCCATGTCGCATTCACAGCGGTATCCTCCTGGTGCATTGAGGCACTGGCC[A>C]TTGCCACAGAGATTCAGGTTCTCAGAGCACTCATCAAGGTCTACAGCCAGAAAGAAACAC-3'
Protein context (NP_000129.3, residues 1407-1427): ECSENLNLCG[Asn1417Lys]GQCLNAPGGY